The following is an entry in ClinVar:

NM_003737.4(DCHS1):c.8597G>A (p.Gly2866Glu)

Gene: DCHS1 (dachsous cadherin-related 1; minus strand). Cytogenetic location: 11p15.4.
Variant type: single nucleotide variant.
Coding change: c.8597G>A on transcript NM_003737.4 (MANE Select); coding-DNA position 8597, G replaced by A.
Protein change: p.Gly2866Glu; replaces glycine 2866 with glutamic acid.
Molecular consequence: missense variant.
Genome position (GRCh38, 1-based): chr11:6,623,079, C>T on the plus strand (G>A on the coding strand, the complement: DCHS1 is on the minus strand). VCF-style: chr11-6623079-C-T. GRCh37 (hg19) VCF-style: chr11-6644310-C-T.
Other names: short protein forms G2866E.
Identifiers: ClinVar variation 1303836 (VCV001303836.2), dbSNP rs2134609352, ClinGen allele CA379480688.
Genomic context (GRCh38, chr11:6,623,079, plus strand): 5'-CCCCCAGAGGTGGCTGTTCCGCTGCCTGGTGCCCGACTGTCCACCCGCAGGTACAGGGCT[C>T]CTGTAGTCTGGTTAATACCAAAATAGGGGGAAGAGGTGGCAAGGGAATACAGAACCAGGC-3'
Protein context (NP_003728.1, residues 2856-2876): SPYFGINQTT[Gly2866Glu]ALYLRVDSRA

ClinVar aggregate classification (germline): Uncertain significance (1 of 4 stars; one submission).

Submission:

GeneDx
Classification: Uncertain significance. Last evaluated: 2019-10-21. Review status: criteria provided, single submitter. Criteria: GeneDx Variant Classification Process June 2021. Collection method: clinical testing. Allele origin: germline. Affected: yes.
Comment: Not observed in large population cohorts (Lek et al., 2016); In silico analysis, which includes protein predictors and evolutionary conservation, supports a deleterious effect; Has not been previously published as pathogenic or benign to our knowledge